The following is an entry in ClinVar:

ClinVar aggregate classification (germline): Uncertain significance (1 of 4 stars; one submission).

Conditions:
Familial adenomatous polyposis 1 (FAP1). Also called: FAMILIAL ADENOMATOUS POLYPOSIS 1, ATTENUATED; POLYPOSIS, ADENOMATOUS INTESTINAL. Identifiers: MedGen C2713442, MONDO:0021056, OMIM 175100. Disease mechanism: loss of function.

Submission:

Labcorp Genetics (formerly Invitae), Labcorp
Classification: Uncertain significance for Familial adenomatous polyposis 1. Last evaluated: 2026-02-02. Review status: criteria provided, single submitter. Criteria: Invitae Variant Classification Sherloc (09022015). Collection method: clinical testing. Allele origin: germline.
Comment: This variant occurs in a non-coding region of the APC gene. It does not change the encoded amino acid sequence of the APC protein. This variant is not present in population databases (gnomAD no frequency). This variant has not been reported in the literature in individuals affected with APC-related conditions. ClinVar contains an entry for this variant (Variation ID: 654386). Experimental studies and prediction algorithms are not available or were not evaluated, and the functional significance of this variant is currently unknown. In summary, the available evidence is currently insufficient to determine the role of this variant in disease. Therefore, it has been classified as a Variant of Uncertain Significance.

NM_001127511.3(APC):c.-117_-97del

Gene: APC (APC regulator of Wnt signaling pathway; plus strand). Cytogenetic location: 5q22.2.
Variant type: Deletion.
Coding change: c.-117_-97del on transcript NM_001127511.3; 117 bases upstream of the start codon through 97 bases upstream of the start codon, 21 bases deleted (GCTCAGGCCCGGGAGCTGCGG).
Molecular consequence: 5 prime UTR variant. On other transcripts: non-coding transcript variant (2).
Genome position (GRCh38, 1-based): chr5:112,707,601-112,707,621, GCTCAGGCCCGGGAGCTGCGG deleted; deleting any 21 consecutive bases within chr5:112,707,595-112,707,621 gives the same sequence; the c. name uses the placement nearest the transcript's 3' end. VCF-style (leftmost placement, unchanged base first): chr5-112707594-CCTGCGGGCTCAGGCCCGGGAG-C. GRCh37 (hg19) VCF-style: chr5-112043291-CCTGCGGGCTCAGGCCCGGGAG-C.
Other names: c.-300_-280del (NM_001354895.2, NM_001407447.1, NM_001407452.1 and 3 more transcripts); c.-117_-97del (NM_001354897.2, NM_001354902.2, NM_001407446.1); c.-67_-47del (NM_001407448.1, NM_001407450.1, NM_001407457.1 and 1 more transcripts); c.-91_-71del (NM_001407453.1); c.-1335_-1315del (NM_001407470.1, NM_001407472.1).
Identifiers: ClinVar variation 654386 (VCV000654386.10), dbSNP rs1433763412, ClinGen allele CA802057169.
Genomic context (GRCh38, chr5:112,707,594, plus strand): 5'-GGGCAAGTAGCAAGGGGGCGGGGTGTGGCCGCCGGAAGCCTAGCCGCTGCTCGGGGGGGA[CCTGCGGGCTCAGGCCCGGGAG>C]CTGCGGACCGAGGTTGGCTCGATGCTGTTCCCAGGTACTGTTGTTGGCTGTTGGTGAGGA-3'